The following is an entry in ClinVar:

ClinVar aggregate classification (germline): Uncertain significance (1 of 4 stars; one submission).

Allele frequency attached by ClinVar (database versions not stated): gnomAD exomes 0.00001.
gnomAD v4.1: 8 of 1,614,062 alleles (0.0005%); highest among the groups gnomAD compares: Non-Finnish European, 0.00068%; no homozygotes.

Submission:

Labcorp Genetics (formerly Invitae), Labcorp
Classification: Uncertain significance. Last evaluated: 2023-08-07. Review status: criteria provided, single submitter. Criteria: Invitae Variant Classification Sherloc (09022015). Collection method: clinical testing. Allele origin: germline.
Comment: This sequence change replaces arginine, which is basic and polar, with glycine, which is neutral and non-polar, at codon 270 of the COL9A2 protein (p.Arg270Gly). This variant is not present in population databases (gnomAD no frequency). This variant has not been reported in the literature in individuals affected with COL9A2-related conditions. Advanced modeling of protein sequence and biophysical properties (such as structural, functional, and spatial information, amino acid conservation, physicochemical variation, residue mobility, and thermodynamic stability) performed at Invitae indicates that this missense variant is not expected to disrupt COL9A2 protein function. In summary, the available evidence is currently insufficient to determine the role of this variant in disease. Therefore, it has been classified as a Variant of Uncertain Significance.

NM_001852.4(COL9A2):c.808A>G (p.Arg270Gly)

Gene: COL9A2 (collagen type IX alpha 2 chain; minus strand). Cytogenetic location: 1p34.2.
Variant type: single nucleotide variant.
Coding change: c.808A>G on transcript NM_001852.4 (MANE Select); coding-DNA position 808, A replaced by G.
Protein change: p.Arg270Gly; replaces arginine 270 with glycine.
Molecular consequence: missense variant.
Genome position (GRCh38, 1-based): chr1:40,309,976, T>C on the plus strand (A>G on the coding strand, the complement: COL9A2 is on the minus strand). VCF-style: chr1-40309976-T-C. GRCh37 (hg19) VCF-style: chr1-40775648-T-C.
Other names: short protein forms R270G.
Identifiers: ClinVar variation 2872002 (VCV002872002.3), dbSNP rs1644093797, ClinGen allele CA339853722.